The following is an entry in ClinVar:

NM_020184.4(CNNM4):c.1354G>C (p.Val452Leu)

Gene: CNNM4 (cyclin and CBS domain divalent metal cation transport mediator 4; plus strand). Cytogenetic location: 2q11.2.
Variant type: single nucleotide variant.
Coding change: c.1354G>C on transcript NM_020184.4 (MANE Select); coding-DNA position 1354, G replaced by C.
Protein change: p.Val452Leu; replaces valine 452 with leucine.
Molecular consequence: missense variant.
Genome position (GRCh38, 1-based): chr2:96,762,353, G>C. VCF-style: chr2-96762353-G-C. GRCh37 (hg19) VCF-style: chr2-97428090-G-C.
Other names: short protein forms V452L.
Identifiers: ClinVar variation 1492102 (VCV001492102.8), dbSNP rs2153342058, ClinGen allele CA347717665.
Genomic context (GRCh38, chr2:96,762,353, plus strand): 5'-CCCGATGACTGCACCCCCCTCAAGACTATCACTCGCTTCTATAACCACCCGGTGCACTTT[G>C]TCTTCCATGACACCAAGTTGGATGCCATGCTGGAGGAGTTCAAGAAGGGTAAGGCCAGAT-3'
Protein context (NP_064569.3, residues 442-462): TRFYNHPVHF[Val452Leu]FHDTKLDAML

ClinVar aggregate classification (germline): Uncertain significance (1 of 4 stars; one submission).

Submission:

Labcorp Genetics (formerly Invitae), Labcorp
Classification: Uncertain significance. Last evaluated: 2023-05-08. Review status: criteria provided, single submitter. Criteria: Invitae Variant Classification Sherloc (09022015). Collection method: clinical testing. Allele origin: germline.
Comment: Advanced modeling of protein sequence and biophysical properties (such as structural, functional, and spatial information, amino acid conservation, physicochemical variation, residue mobility, and thermodynamic stability) performed at Invitae indicates that this missense variant is expected to disrupt CNNM4 protein function. In summary, the available evidence is currently insufficient to determine the role of this variant in disease. Therefore, it has been classified as a Variant of Uncertain Significance. ClinVar contains an entry for this variant (Variation ID: 1492102). This variant has not been reported in the literature in individuals affected with CNNM4-related conditions. This variant is not present in population databases (gnomAD no frequency). This sequence change replaces valine, which is neutral and non-polar, with leucine, which is neutral and non-polar, at codon 452 of the CNNM4 protein (p.Val452Leu).